The following is an entry in ClinVar:

NM_001231.5(CASQ1):c.829-11C>G

Gene: CASQ1 (calsequestrin 1; plus strand). Cytogenetic location: 1q23.2.
Variant type: single nucleotide variant.
Coding change: c.829-11C>G on transcript NM_001231.5 (MANE Select); 11 bases into the intron before coding-DNA position 829, C replaced by G.
Molecular consequence: intron variant.
Genome position (GRCh38, 1-based): chr1:160,198,666, C>G. VCF-style: chr1-160198666-C-G. GRCh37 (hg19) VCF-style: chr1-160168456-C-G.
Identifiers: ClinVar variation 2848227 (VCV002848227.3), dbSNP rs2525062522, ClinGen allele CA2739275341.
Genomic context (GRCh38, chr1:160,198,666, plus strand): 5'-GGGCTCCTCAACTTCAGGGAGTATAGTAAGGTCTTCTCCAAAACCCTGTTCTCCTTCTTA[C>G]CCCCTGACAGGAGGATGATATGGATGGAATCCACATTGTGGCCTTCGCAGAGGAAGCTGA-3'

ClinVar aggregate classification (germline): Uncertain significance (1 of 4 stars; one submission).

Submission:

Labcorp Genetics (formerly Invitae), Labcorp
Classification: Uncertain significance. Last evaluated: 2023-12-11. Review status: criteria provided, single submitter. Criteria: Invitae Variant Classification Sherloc (09022015). Collection method: clinical testing. Allele origin: germline.
Comment: This sequence change falls in intron 7 of the CASQ1 gene. It does not directly change the encoded amino acid sequence of the CASQ1 protein. This variant is not present in population databases (gnomAD no frequency). This variant has not been reported in the literature in individuals affected with CASQ1-related conditions. Algorithms developed to predict the effect of sequence changes on RNA splicing suggest that this variant may disrupt the consensus splice site. In summary, the available evidence is currently insufficient to determine the role of this variant in disease. Therefore, it has been classified as a Variant of Uncertain Significance.